The following is an entry in ClinVar:

NM_001128840.3(CACNA1D):c.6438G>A (p.Arg2146=)

Gene: CACNA1D (calcium voltage-gated channel subunit alpha1 D; plus strand). Cytogenetic location: 3p21.1.
Variant type: single nucleotide variant.
Coding change: c.6438G>A on transcript NM_001128840.3 (MANE Select); coding-DNA position 6438, G replaced by A.
Protein change: p.Arg2146=; no amino-acid change (arginine 2146 retained).
Molecular consequence: synonymous variant.
Genome position (GRCh38, 1-based): chr3:53,811,358, G>A. VCF-style: chr3-53811358-G-A. GRCh37 (hg19) VCF-style: chr3-53845385-G-A.
Other names: c.6498G>A, p.Arg2166= (NM_000720.4); c.6366G>A, p.Arg2122= (NM_001128839.3); c.6498G>A (NM_000720.3).
Identifiers: ClinVar variation 1534471 (VCV001534471.9), dbSNP rs760934987, ClinGen allele CA2455450.
Genomic context (GRCh38, chr3:53,811,358, plus strand): 5'-GGACTATGAGCTACAGGACTTTGGTCCTGGCTACAGCGACGAAGAGCCAGACCCTGGGAG[G>A]GATGAGGAGGACCTGGCGGATGAAATGATATGCATCACCACCTTGTAGCCCCCAGCGAGG-3'
Protein context (NP_001122312.1, residues 2136-2156): GYSDEEPDPG[Arg2146=]DEEDLADEMI

ClinVar aggregate classification (germline): Likely benign. Review status: criteria provided, multiple submitters, no conflicts (2 of 4 stars). 2 submissions from 2 submitters: Likely benign (2). Last evaluated 2026-05-28.

Conditions:
CACNA1D-related disorder.

Allele frequency attached by ClinVar (database versions not stated): gnomAD exomes 0.00002 and 0.00005; ExAC 0.00004; gnomAD 0.00004; TOPMed 0.00004.
gnomAD v4.1: 38 of 1,593,144 alleles (0.0024%); highest among the groups gnomAD compares: Admixed American, 0.015%; no homozygotes.

Submissions (2):

PreventionGenetics, part of Exact Sciences
Classification: Likely benign for CACNA1D-related condition. Last evaluated: 2026-05-28. Review status: criteria provided, single submitter. Criteria: ACMG Guidelines, 2015. Collection method: clinical testing. Allele origin: germline.
Comment: This variant is classified as likely benign based on ACMG/AMP sequence variant interpretation guidelines (Richards et al. 2015 PMID: 25741868, with internal and published modifications).

Labcorp Genetics (formerly Invitae), Labcorp
Classification: Likely benign. Last evaluated: 2025-07-27. Review status: criteria provided, single submitter. Criteria: Invitae Variant Classification Sherloc (09022015). Collection method: clinical testing. Allele origin: germline.